The following is an entry in ClinVar:

ClinVar aggregate classification (germline): Likely pathogenic (1 of 4 stars; one submission).

Conditions:
Hypertrophic cardiomyopathy. Also called: HYPERTROPHIC MYOCARDIOPATHY. Identifiers: Orphanet 217569, MedGen C0007194, MeSH D002312, MONDO:0005045, HP:0001639.

Submission:

Labcorp Genetics (formerly Invitae), Labcorp
Classification: Likely pathogenic for Hypertrophic cardiomyopathy. Last evaluated: 2022-11-15. Review status: criteria provided, single submitter. Criteria: Invitae Variant Classification Sherloc (09022015). Collection method: clinical testing. Allele origin: germline.
Comment: In summary, the currently available evidence indicates that the variant is pathogenic, but additional data are needed to prove that conclusively. Therefore, this variant has been classified as Likely Pathogenic. This variant disrupts the p.Lys657 amino acid residue in MYH7. Other variant(s) that disrupt this residue have been determined to be pathogenic (PMID: 26337809). This suggests that this residue is clinically significant, and that variants that disrupt this residue are likely to be disease-causing. Advanced modeling of protein sequence and biophysical properties (such as structural, functional, and spatial information, amino acid conservation, physicochemical variation, residue mobility, and thermodynamic stability) performed at Invitae indicates that this missense variant is expected to disrupt MYH7 protein function. ClinVar contains an entry for this variant (Variation ID: 1371217). This variant has not been reported in the literature in individuals affected with MYH7-related conditions. This variant is not present in population databases (gnomAD no frequency). This sequence change replaces lysine, which is basic and polar, with asparagine, which is neutral and polar, at codon 657 of the MYH7 protein (p.Lys657Asn).

Literature cited by the submitters: PubMed 26337809.

NM_000257.4(MYH7):c.1971G>C (p.Lys657Asn)

Gene: MYH7 (myosin heavy chain 7; minus strand). Cytogenetic location: 14q11.2.
Variant type: single nucleotide variant.
Coding change: c.1971G>C on transcript NM_000257.4 (MANE Select); coding-DNA position 1971, G replaced by C.
Protein change: p.Lys657Asn; replaces lysine 657 with asparagine.
Molecular consequence: missense variant.
Genome position (GRCh38, 1-based): chr14:23,426,850, C>G on the plus strand (G>C on the coding strand, the complement: MYH7 is on the minus strand). VCF-style: chr14-23426850-C-G. GRCh37 (hg19) VCF-style: chr14-23896059-C-G.
Other names: short protein forms K657N.
Identifiers: ClinVar variation 1371217 (VCV001371217.8), dbSNP rs760736597, ClinGen allele CA389049412.
Genomic context (GRCh38, chr14:23,426,850, plus strand): 5'-CTCATTAGGGATGATACAACGTACAAAGTGGGGATGGGTGGAGCGCAAGTTGGTCATCAG[C>G]TTGTTCAGATTTTCCTGTGGCCAAAAATGCAATAGAGAAAAGTAAAGAAAATGCCAGAAA-3'
Protein context (NP_000248.2, residues 647-667): VSALHRENLN[Lys657Asn]LMTNLRSTHP